The following is an entry in ClinVar:

NM_001350451.2(RBFOX3):c.38C>T (p.Pro13Leu)

Gene: RBFOX3 (RNA binding fox-1 homolog 3; minus strand). Cytogenetic location: 17q25.3.
Variant type: single nucleotide variant.
Coding change: c.38C>T on transcript NM_001350451.2 (MANE Select); coding-DNA position 38, C replaced by T.
Protein change: p.Pro13Leu; replaces proline 13 with leucine.
Molecular consequence: missense variant.
Genome position (GRCh38, 1-based): chr17:79,115,678, G>A on the plus strand (C>T on the coding strand, the complement: RBFOX3 is on the minus strand). VCF-style: chr17-79115678-G-A. GRCh37 (hg19) VCF-style: chr17-77111760-G-A.
Other names: c.38C>T, p.Pro13Leu (NM_001082575.3, NM_001350453.2, NM_001385804.1 and 43 more transcripts); short protein forms P13L.
Identifiers: ClinVar variation 1047693 (VCV001047693.8), dbSNP rs1226535060, ClinGen allele CA401318225.

ClinVar aggregate classification (germline): Uncertain significance (1 of 4 stars; one submission).

Conditions:
Idiopathic generalized epilepsy. Also called: Generalised epilepsy; EIG. Identifiers: MedGen C0270850, MONDO:0005579, OMIM 600669.

Allele frequency attached by ClinVar (database versions not stated): TOPMed 0.00002; gnomAD 0.00003.
gnomAD v4.1: 12 of 1,161,834 alleles (0.001%); highest among the groups gnomAD compares: African/African-American, 0.0063%; no homozygotes.

Submission:

Labcorp Genetics (formerly Invitae), Labcorp
Classification: Uncertain significance for Idiopathic generalized epilepsy. Last evaluated: 2023-12-30. Review status: criteria provided, single submitter. Criteria: Invitae Variant Classification Sherloc (09022015). Collection method: clinical testing. Allele origin: germline.
Comment: This sequence change replaces proline, which is neutral and non-polar, with leucine, which is neutral and non-polar, at codon 13 of the RBFOX3 protein (p.Pro13Leu). This variant is not present in population databases (gnomAD no frequency). This variant has not been reported in the literature in individuals affected with RBFOX3-related conditions. ClinVar contains an entry for this variant (Variation ID: 1047693). Advanced modeling of protein sequence and biophysical properties (such as structural, functional, and spatial information, amino acid conservation, physicochemical variation, residue mobility, and thermodynamic stability) performed at Invitae indicates that this missense variant is expected to disrupt RBFOX3 protein function with a positive predictive value of 80%. In summary, the available evidence is currently insufficient to determine the role of this variant in disease. Therefore, it has been classified as a Variant of Uncertain Significance.